The following is an entry in ClinVar:

ClinVar aggregate classification (germline): Uncertain significance. Review status: criteria provided, multiple submitters, no conflicts (2 of 4 stars). 2 submissions from 2 submitters: Uncertain significance (2). Last evaluated 2025-08-27.

Allele frequency attached by ClinVar (database versions not stated): gnomAD 0.00001; TOPMed 0.00001.
gnomAD v4.1: 26 of 1,613,900 alleles (0.0016%); highest among the groups gnomAD compares: Non-Finnish European, 0.0022%; no homozygotes.

Submissions (2):

Ambry Genetics
Classification: Uncertain significance. Last evaluated: 2025-08-27. Review status: criteria provided, single submitter. Criteria: Ambry Variant Classification Scheme 2023. Collection method: clinical testing. Allele origin: germline.

Labcorp Genetics (formerly Invitae), Labcorp
Classification: Uncertain significance. Last evaluated: 2022-12-06. Review status: criteria provided, single submitter. Criteria: Invitae Variant Classification Sherloc (09022015). Collection method: clinical testing. Allele origin: germline.
Comment: This variant has not been reported in the literature in individuals affected with PLXNA2-related conditions. This variant is present in population databases (rs751148055, gnomAD 0.0009%). Advanced modeling of protein sequence and biophysical properties (such as structural, functional, and spatial information, amino acid conservation, physicochemical variation, residue mobility, and thermodynamic stability) performed at Invitae indicates that this missense variant is not expected to disrupt PLXNA2 protein function. In summary, the available evidence is currently insufficient to determine the role of this variant in disease. Therefore, it has been classified as a Variant of Uncertain Significance. This sequence change replaces asparagine, which is neutral and polar, with isoleucine, which is neutral and non-polar, at codon 960 of the PLXNA2 protein (p.Asn960Ile).

NM_025179.4(PLXNA2):c.2879A>T (p.Asn960Ile)

Gene: PLXNA2 (plexin A2; minus strand). Cytogenetic location: 1q32.2.
Variant type: single nucleotide variant.
Coding change: c.2879A>T on transcript NM_025179.4 (MANE Select); coding-DNA position 2879, A replaced by T.
Protein change: p.Asn960Ile; replaces asparagine 960 with isoleucine.
Molecular consequence: missense variant.
Genome position (GRCh38, 1-based): chr1:208,052,441, T>A on the plus strand (A>T on the coding strand, the complement: PLXNA2 is on the minus strand). VCF-style: chr1-208052441-T-A. GRCh37 (hg19) VCF-style: chr1-208225786-T-A.
Other names: c.2879A>T (NM_025179.3); short protein forms N960I.
Identifiers: ClinVar variation 2979500 (VCV002979500.4), dbSNP rs751148055, ClinGen allele CA1373363.